The following is an entry in ClinVar:

NM_177531.6(PKHD1L1):c.8105C>T (p.Ala2702Val)

Gene: PKHD1L1 (PKHD1 like 1; plus strand). Cytogenetic location: 8q23.1.
Variant type: single nucleotide variant.
Coding change: c.8105C>T on transcript NM_177531.6 (MANE Select); coding-DNA position 8105, C replaced by T.
Protein change: p.Ala2702Val; replaces alanine 2702 with valine.
Molecular consequence: missense variant.
Genome position (GRCh38, 1-based): chr8:109,464,937, C>T. VCF-style: chr8-109464937-C-T. GRCh37 (hg19) VCF-style: chr8-110477166-C-T.
Other names: short protein forms A2702V.
Identifiers: ClinVar variation 4137876 (VCV004137876.2).

ClinVar aggregate classification (germline): Uncertain significance. Review status: criteria provided, multiple submitters, no conflicts (2 of 4 stars). 2 submissions from 2 submitters: Uncertain significance (2). Last evaluated 2025-10-31.

Conditions:
PKHD1L1-related disorder. Also called: PKHD1L1-related condition.

Submissions (2):

PreventionGenetics, part of Exact Sciences
Classification: Uncertain significance for PKHD1L1-related condition. Last evaluated: 2025-10-31. Review status: criteria provided, single submitter. Criteria: ACMG Guidelines, 2015. Collection method: clinical testing. Allele origin: germline.
Comment: The PKHD1L1 c.8105C>T variant is predicted to result in the amino acid substitution p.Ala2702Val. To our knowledge, this variant has not been reported in the literature. This variant is reported in 0.023% of alleles in individuals of South Asian descent in gnomAD. At this time, the clinical significance of this variant is uncertain due to the absence of conclusive functional and genetic evidence.

Ambry Genetics
Classification: Uncertain significance. Last evaluated: 2025-07-01. Review status: criteria provided, single submitter. Criteria: Ambry Variant Classification Scheme 2023. Collection method: clinical testing. Allele origin: germline.